The following is an entry in ClinVar:

ClinVar aggregate classification (germline): Pathogenic (1 of 4 stars; one submission).

Conditions:
Early-infantile DEE. Also called: Early infantile epileptic encephalopathy; Early infantile epileptic encephalopathy with suppression bursts; Ohtahara syndrome. Identifiers: Orphanet 1934, MedGen C0393706, MONDO:0800491.

Submission:

Labcorp Genetics (formerly Invitae), Labcorp
Classification: Pathogenic for Early-infantile DEE. Last evaluated: 2025-06-12. Review status: criteria provided, single submitter. Criteria: Invitae Variant Classification Sherloc (09022015). Collection method: clinical testing. Allele origin: germline.
Comment: This sequence change replaces arginine, which is basic and polar, with proline, which is neutral and non-polar, at codon 1620 of the SCN8A protein (p.Arg1620Pro). This variant is not present in population databases (gnomAD no frequency). This missense change has been observed in individual(s) with SCN8A-related conditions (internal data). In at least one individual the variant was observed to be de novo. Invitae Evidence Modeling of protein sequence and biophysical properties (such as structural, functional, and spatial information, amino acid conservation, physicochemical variation, residue mobility, and thermodynamic stability) indicates that this missense variant is expected to disrupt SCN8A protein function with a positive predictive value of 95%. For these reasons, this variant has been classified as Pathogenic.

NM_001330260.2(SCN8A):c.4859G>C (p.Arg1620Pro)

Gene: SCN8A (sodium voltage-gated channel alpha subunit 8; plus strand). Cytogenetic location: 12q13.13.
Variant type: single nucleotide variant.
Coding change: c.4859G>C on transcript NM_001330260.2 (MANE Select); coding-DNA position 4859, G replaced by C.
Protein change: p.Arg1620Pro; replaces arginine 1620 with proline.
Molecular consequence: missense variant.
Genome position (GRCh38, 1-based): chr12:51,806,345, G>C. VCF-style: chr12-51806345-G-C. GRCh37 (hg19) VCF-style: chr12-52200129-G-C.
Other names: c.4736G>C, p.Arg1579Pro (NM_001177984.3, NM_001369788.1); c.4859G>C, p.Arg1620Pro (NM_014191.4); short protein forms R1579P, R1620P.
Identifiers: ClinVar variation 4812133 (VCV004812133.1).
Genomic context (GRCh38, chr12:51,806,345, plus strand): 5'-TGTTCCTGGCAGATATAATTGAGAAATACTTTGTTTCCCCAACCCTATTCCGAGTCATCC[G>C]ATTGGCCCGTATTGGGCGCATCTTGCGTCTGATCAAAGGCGCCAAAGGGATTCGTACCCT-3'
Protein context (NP_001317189.1, residues 1610-1630): FVSPTLFRVI[Arg1620Pro]LARIGRILRL